The following is an entry in ClinVar:

ClinVar aggregate classification (germline): Conflicting classifications of pathogenicity. Review status: criteria provided, conflicting classifications (1 of 4 stars). 6 submissions from 6 submitters: Uncertain significance (3); Likely benign (2). 1 of the submissions does not count toward it. Last evaluated 2024-08-11.

Conditions:
Hereditary breast ovarian cancer syndrome. Also called: Hereditary breast and ovarian cancer syndrome; Hereditary breast and ovarian cancer; Hereditary breast and ovarian cancer syndrome (HBOC); Breast and ovarian cancer; Hereditary breast and/or ovarian cancer syndrome; BRCA1- and BRCA2-Associated Hereditary Breast and Ovarian Cancer. Identifiers: Orphanet 145, MedGen C0677776, MeSH D061325, MONDO:0003582. Disease mechanism: loss of function.
Breast-ovarian cancer, familial, susceptibility to, 2 (BROVCA2). Also called: BRCA2 Hereditary Breast and Ovarian Cancer. Identifiers: Orphanet 145, MedGen C2675520, MONDO:0012933, OMIM 612555. Disease mechanism: loss of function.
Hereditary cancer-predisposing syndrome. Also called: Neoplastic Syndromes, Hereditary; Tumor predisposition; Hereditary Cancer Syndrome; Hereditary neoplastic syndrome. Identifiers: Orphanet 140162, MedGen C0027672, MeSH D009386, MONDO:0015356.

Submissions (6):

Labcorp Genetics (formerly Invitae), Labcorp
Classification: Uncertain significance for Hereditary breast ovarian cancer syndrome. Last evaluated: 2024-08-11. Review status: criteria provided, single submitter. Criteria: Invitae Variant Classification Sherloc (09022015). Collection method: clinical testing. Allele origin: germline.
Comment: This sequence change replaces proline, which is neutral and non-polar, with leucine, which is neutral and non-polar, at codon 814 of the BRCA2 protein (p.Pro814Leu). This variant is not present in population databases (gnomAD no frequency). This variant has not been reported in the literature in individuals affected with BRCA2-related conditions. ClinVar contains an entry for this variant (Variation ID: 51285). Advanced modeling of protein sequence and biophysical properties (such as structural, functional, and spatial information, amino acid conservation, physicochemical variation, residue mobility, and thermodynamic stability) performed at Invitae indicates that this missense variant is not expected to disrupt BRCA2 protein function with a negative predictive value of 95%. In summary, the available evidence is currently insufficient to determine the role of this variant in disease. Therefore, it has been classified as a Variant of Uncertain Significance.

Ambry Genetics
Classification: Likely benign for Hereditary cancer-predisposing syndrome. Last evaluated: 2024-03-20. Review status: criteria provided, single submitter. Criteria: Ambry Variant Classification Scheme 2023. Collection method: clinical testing. Allele origin: germline.

Color Diagnostics, LLC DBA Color Health
Classification: Uncertain significance for Hereditary cancer-predisposing syndrome. Last evaluated: 2023-05-30. Review status: criteria provided, single submitter. Criteria: ACMG Guidelines, 2015. Collection method: clinical testing. Allele origin: germline.
Comment: This missense variant replaces proline with leucine at codon 814 of the BRCA2 protein. Computational prediction suggests that this variant may not impact protein structure and function (internally defined REVEL score threshold <= 0.5, PMID: 27666373). To our knowledge, functional studies have not been reported for this variant. This variant has been reported in an individual affected with breast cancer (PMID: 33471991; Leiden Open Variation Database DB-ID BRCA2_007946). This variant has not been identified in the general population by the Genome Aggregation Database (gnomAD). The available evidence is insufficient to determine the role of this variant in disease conclusively. Therefore, this variant is classified as a Variant of Uncertain Significance.

University of Washington Department of Laboratory Medicine, University of Washington
Classification: Likely benign for Hereditary cancer-predisposing syndrome. Last evaluated: 2023-03-23. Review status: criteria provided, single submitter. Criteria: Dines et al. (Genet Med. 2020). Collection method: curation. Allele origin: germline.
Comment: Missense variant in a coldspot region where missense variants are very unlikely to be pathogenic (PMID:31911673).

BRCA2 exon 11 coldspot. Reclassification based on statistical prior probability.

GeneDx
Classification: Uncertain significance. Last evaluated: 2023-02-15. Review status: criteria provided, single submitter. Criteria: GeneDx Variant Classification Process June 2021. Collection method: clinical testing. Allele origin: germline. Affected: yes.
Comment: Not observed at significant frequency in large population cohorts (gnomAD); In silico analysis supports that this missense variant has a deleterious effect on protein structure/function; Has not been previously published as pathogenic or benign to our knowledge; Also known as 2669C>T; This variant is associated with the following publications: (PMID: 25303977, 32377563, 29884841, 31911673, 21533266)

Breast Cancer Information Core (BIC) (BRCA2)
Classification: Uncertain significance for Breast-ovarian cancer, familial 2. Last evaluated: 2002-05-29. Review status: no assertion criteria provided. Collection method: clinical testing. Allele origin: germline. Affected: yes. Observed: 2 variant alleles. Not counted in ClinVar's aggregate classification.

Literature cited by the submitters: PubMed 33471991 (cited by Color Diagnostics, LLC DBA Color Health).

NM_000059.4(BRCA2):c.2441C>T (p.Pro814Leu)

Gene: BRCA2 (BRCA2 DNA repair associated; plus strand). Cytogenetic location: 13q13.1.
Variant type: single nucleotide variant.
Coding change: c.2441C>T on transcript NM_000059.4 (MANE Select); coding-DNA position 2441, C replaced by T.
Protein change: p.Pro814Leu; replaces proline 814 with leucine.
Molecular consequence: missense variant.
Genome position (GRCh38, 1-based): chr13:32,336,796, C>T. VCF-style: chr13-32336796-C-T. GRCh37 (hg19) VCF-style: chr13-32910933-C-T.
Other names: short protein forms P814L.
Identifiers: ClinVar variation 51285 (VCV000051285.24), dbSNP rs80358510, ClinGen allele CA015273.
Genomic context (GRCh38, chr13:32,336,796, plus strand): 5'-TGTCAGACAAGCTCAAAGGTAACAATTATGAATCTGATGTTGAATTAACCAAAAATATTC[C>T]CATGGAAAAGAATCAAGATGTATGTGCTTTAAATGAAAATTATAAAAACGTTGAGCTGTT-3'
Protein context (NP_000050.3, residues 804-824): ESDVELTKNI[Pro814Leu]MEKNQDVCAL